The following is an entry in ClinVar:

ClinVar aggregate classification (germline): Uncertain significance (1 of 4 stars; one submission).

Submission:

Ambry Genetics
Classification: Uncertain significance. Last evaluated: 2024-06-30. Review status: criteria provided, single submitter. Criteria: Ambry Variant Classification Scheme 2023. Collection method: clinical testing. Allele origin: germline.
Comment: The p.T1755I variant (also known as c.5264C>T), located in coding exon 16 of the POLQ gene, results from a C to T substitution at nucleotide position 5264. The threonine at codon 1755 is replaced by isoleucine, an amino acid with similar properties. This amino acid position is conserved. In addition, this alteration is predicted to be tolerated by in silico analysis. Based on the available evidence, the clinical significance of this variant remains unclear.

NM_199420.4(POLQ):c.5264C>T (p.Thr1755Ile)

Gene: POLQ (DNA polymerase theta; minus strand). Cytogenetic location: 3q13.33.
Variant type: single nucleotide variant.
Coding change: c.5264C>T on transcript NM_199420.4 (MANE Select); coding-DNA position 5264, C replaced by T.
Protein change: p.Thr1755Ile; replaces threonine 1755 with isoleucine.
Molecular consequence: missense variant.
Genome position (GRCh38, 1-based): chr3:121,487,667, G>A on the plus strand (C>T on the coding strand, the complement: POLQ is on the minus strand). VCF-style: chr3-121487667-G-A. GRCh37 (hg19) VCF-style: chr3-121206514-G-A.
Other names: short protein forms T1755I.
Identifiers: ClinVar variation 3422424 (VCV003422424.1).